The following is an entry in ClinVar:

NM_058179.4(PSAT1):c.92A>G (p.Asp31Gly)

Gene: PSAT1 (phosphoserine aminotransferase 1; plus strand). Cytogenetic location: 9q21.2.
Variant type: single nucleotide variant.
Coding change: c.92A>G on transcript NM_058179.4 (MANE Select); coding-DNA position 92, A replaced by G.
Protein change: p.Asp31Gly; replaces aspartic acid 31 with glycine.
Molecular consequence: missense variant.
Genome position (GRCh38, 1-based): chr9:78,300,633, A>G. VCF-style: chr9-78300633-A-G. GRCh37 (hg19) VCF-style: chr9-80915549-A-G.
Other names: c.92A>G, p.Asp31Gly (NM_021154.5); short protein forms D31G.
Identifiers: ClinVar variation 1978478 (VCV001978478.4), dbSNP rs2489629548, ClinGen allele CA373871521.
Genomic context (GRCh38, chr9:78,300,633, plus strand): 5'-TAACCCTATTTTCCTTTATTTTTTTCTAGGTGTTGTTAGAGATACAAAAGGAATTATTAG[A>G]CTACAAAGGAGTTGGCATTAGTGTTCTTGGTAAGATTTACTTTTGAATTCTGTGAATGTC-3'
Protein context (NP_478059.1, residues 21-41): VLLEIQKELL[Asp31Gly]YKGVGISVLE

ClinVar aggregate classification (germline): Uncertain significance (1 of 4 stars; one submission).

Conditions:
Neu-Laxova syndrome 2. Identifiers: Orphanet 2671, Orphanet 583602, MedGen C4015019, MONDO:0014466, OMIM 616038.

Submission:

Labcorp Genetics (formerly Invitae), Labcorp
Classification: Uncertain significance for Neu-Laxova syndrome 2. Last evaluated: 2022-04-18. Review status: criteria provided, single submitter. Criteria: Invitae Variant Classification Sherloc (09022015). Collection method: clinical testing. Allele origin: germline.
Comment: In summary, the available evidence is currently insufficient to determine the role of this variant in disease. Therefore, it has been classified as a Variant of Uncertain Significance. Algorithms developed to predict the effect of missense changes on protein structure and function (SIFT, PolyPhen-2, Align-GVGD) all suggest that this variant is likely to be tolerated. This variant has not been reported in the literature in individuals affected with PSAT1-related conditions. This variant is not present in population databases (gnomAD no frequency). This sequence change replaces aspartic acid, which is acidic and polar, with glycine, which is neutral and non-polar, at codon 31 of the PSAT1 protein (p.Asp31Gly).